The following is an entry in ClinVar:

NM_006019.4(TCIRG1):c.197-7C>T

Gene: TCIRG1 (T cell immune regulator 1, ATPase H+ transporting V0 subunit a3; plus strand). Cytogenetic location: 11q13.2.
Variant type: single nucleotide variant.
Coding change: c.197-7C>T on transcript NM_006019.4 (MANE Select); 7 bases into the intron before coding-DNA position 197, C replaced by T.
Molecular consequence: intron variant.
Genome position (GRCh38, 1-based): chr11:68,042,636, C>T. VCF-style: chr11-68042636-C-T. GRCh37 (hg19) VCF-style: chr11-67810103-C-T.
Other names: c.197-7C>T (NM_006019.3); c.-1053-7C>T (NM_001351059.2).
Identifiers: ClinVar variation 1109444 (VCV001109444.10), dbSNP rs751215004, ClinGen allele CA6146686.

ClinVar aggregate classification (germline): Likely benign. Review status: criteria provided, multiple submitters, no conflicts (2 of 4 stars). 2 submissions from 2 submitters: Likely benign (2). Last evaluated 2025-10-29.

Conditions:
TCIRG1-related disorder. Also called: TCIRG1-related condition.

Allele frequency attached by ClinVar (database versions not stated): ExAC 0.00008.

Submissions (2):

Labcorp Genetics (formerly Invitae), Labcorp
Classification: Likely benign. Last evaluated: 2025-10-29. Review status: criteria provided, single submitter. Criteria: Invitae Variant Classification Sherloc (09022015). Collection method: clinical testing. Allele origin: germline.

PreventionGenetics, part of Exact Sciences
Classification: Likely benign for TCIRG1-related condition. Last evaluated: 2025-01-06. Review status: criteria provided, single submitter. Criteria: ACMG Guidelines, 2015. Collection method: clinical testing. Allele origin: germline.
Comment: This variant is classified as likely benign based on ACMG/AMP sequence variant interpretation guidelines (Richards et al. 2015 PMID: 25741868, with internal and published modifications).